The following is an entry in ClinVar:

NM_024649.5(BBS1):c.68G>A (p.Trp23Ter)

Gene: BBS1 (Bardet-Biedl syndrome 1; plus strand). Cytogenetic location: 11q13.2.
Variant type: single nucleotide variant.
Coding change: c.68G>A on transcript NM_024649.5 (MANE Select); coding-DNA position 68, G replaced by A.
Protein change: p.Trp23Ter; replaces tryptophan 23 with a stop codon.
Molecular consequence: nonsense.
Genome position (GRCh38, 1-based): chr11:66,511,033, G>A. VCF-style: chr11-66511033-G-A. GRCh37 (hg19) VCF-style: chr11-66278504-G-A.
Other names: short protein forms W23*.
Identifiers: ClinVar variation 842654 (VCV000842654.12), dbSNP rs778850233, ClinGen allele CA6123228.

ClinVar aggregate classification (germline): Pathogenic. Review status: criteria provided, multiple submitters, no conflicts (2 of 4 stars). 4 submissions from 4 submitters: Pathogenic (4). Last evaluated 2026-01-20.

Conditions:
Bardet-Biedl syndrome (BBS). Identifiers: Orphanet 110, MedGen C0752166, MONDO:0015229.
Bardet-Biedl syndrome 1 (BBS1). Identifiers: MedGen C2936862, MONDO:0008854, OMIM 209900. Disease mechanism: loss of function.

Allele frequency attached by ClinVar (database versions not stated): gnomAD exomes below 0.00001; ExAC 0.00001.
gnomAD v4.1: 1 of 1,614,172 alleles (0.000062%); highest among the groups gnomAD compares: South Asian, 0.0011%; no homozygotes.

Submissions (4):

Natera, Inc.
Classification: Pathogenic for Bardet-Biedl syndrome type 1. Last evaluated: 2026-01-20. Review status: criteria provided, single submitter. Criteria: Natera Variant Classification Schema (03/2026). Collection method: clinical testing. Allele origin: germline.
Comment: The c.68G>A variant in BBS1 is a nonsense variant predicted to introduce a stop codon at amino acid 23. This variant is expected to result in nonsense mediated decay, truncation, or a dysfunctional protein product. This variant is rare in the general population with a frequency below the threshold expected for the associated phenotype(s). This variant has been observed in one or more individuals affected with the associated recessive disease, as either homozygous or compound heterozygous with a second variant (PMID: 24611592). Given the available evidence, this variant is classified as Pathogenic.

Labcorp Genetics (formerly Invitae), Labcorp
Classification: Pathogenic for Bardet-Biedl syndrome. Last evaluated: 2023-05-22. Review status: criteria provided, single submitter. Criteria: Invitae Variant Classification Sherloc (09022015). Collection method: clinical testing. Allele origin: germline.
Comment: This variant is present in population databases (rs778850233, gnomAD 0.003%). This sequence change creates a premature translational stop signal (p.Trp23*) in the BBS1 gene. It is expected to result in an absent or disrupted protein product. Loss-of-function variants in BBS1 are known to be pathogenic (PMID: 12118255, 21520335, 27032803). This premature translational stop signal has been observed in individual(s) with Bardet-Biedl syndrome (PMID: 24611592). For these reasons, this variant has been classified as Pathogenic. ClinVar contains an entry for this variant (Variation ID: 842654).

Baylor Genetics
Classification: Pathogenic for Bardet-Biedl syndrome 1. Last evaluated: 2021-12-28. Review status: criteria provided, single submitter. Criteria: ACMG Guidelines, 2015. Collection method: clinical testing. Allele origin: unknown.

SN ONGC Dept of Genetics and Molecular biology Vision Research Foundation
Classification: Pathogenic for Bardet-Biedl syndrome. Review status: criteria provided, single submitter. Criteria: ACMG Guidelines, 2015. Collection method: research. Allele origin: biparental. Affected: yes.

Literature cited by the submitters: PubMed 24611592 (cited by Natera, Inc. and Labcorp Genetics (formerly Invitae), Labcorp); PubMed 12118255 (cited by Labcorp Genetics (formerly Invitae), Labcorp); PubMed 21520335 (cited by Labcorp Genetics (formerly Invitae), Labcorp); PubMed 27032803 (cited by Labcorp Genetics (formerly Invitae), Labcorp).